The following is an entry in ClinVar:

ClinVar aggregate classification (germline): Uncertain significance (1 of 4 stars; one submission).

Conditions:
Myopathy, centronuclear, 2 (CNM2). Also called: MYOTUBULAR MYOPATHY, AUTOSOMAL RECESSIVE. Identifiers: Orphanet 169186, MedGen CN031787, MONDO:0009709, OMIM 255200.

Submission:

Labcorp Genetics (formerly Invitae), Labcorp
Classification: Uncertain significance for Myopathy, centronuclear, 2. Last evaluated: 2023-02-11. Review status: criteria provided, single submitter. Criteria: Invitae Variant Classification Sherloc (09022015). Collection method: clinical testing. Allele origin: germline.
Comment: In summary, the available evidence is currently insufficient to determine the role of this variant in disease. Therefore, it has been classified as a Variant of Uncertain Significance. Advanced modeling of protein sequence and biophysical properties (such as structural, functional, and spatial information, amino acid conservation, physicochemical variation, residue mobility, and thermodynamic stability) performed at Invitae indicates that this missense variant is expected to disrupt BIN1 protein function. This variant has not been reported in the literature in individuals affected with BIN1-related conditions. This variant is not present in population databases (gnomAD no frequency). This sequence change replaces serine, which is neutral and polar, with cysteine, which is neutral and slightly polar, at codon 331 of the BIN1 protein (p.Ser331Cys).

NM_139343.3(BIN1):c.992C>G (p.Ser331Cys)

Gene: BIN1 (bridging integrator 1; minus strand). Cytogenetic location: 2q14.3.
Variant type: single nucleotide variant.
Coding change: c.992C>G on transcript NM_139343.3 (MANE Select); coding-DNA position 992, C replaced by G.
Protein change: p.Ser331Cys; replaces serine 331 with cysteine.
Molecular consequence: missense variant.
Genome position (GRCh38, 1-based): chr2:127,059,021, G>C on the plus strand (C>G on the coding strand, the complement: BIN1 is on the minus strand). VCF-style: chr2-127059021-G-C. GRCh37 (hg19) VCF-style: chr2-127816597-G-C.
Other names: c.944C>G, p.Ser315Cys (NM_001320632.2, NM_004305.4, NM_139346.3); c.992C>G, p.Ser331Cys (NM_001320633.2, NM_001320640.2, NM_139344.3 and 1 more transcripts); c.827C>G, p.Ser276Cys (NM_001320634.1); c.899C>G, p.Ser300Cys (NM_001320641.2, NM_139347.3, NM_139348.3 and 3 more transcripts); c.911C>G, p.Ser304Cys (NM_001320642.1); short protein forms S300C, S315C, S276C, S331C, S304C.
Identifiers: ClinVar variation 2836459 (VCV002836459.3), dbSNP rs2467271919, ClinGen allele CA348379201.
Genomic context (GRCh38, chr2:127,059,021, plus strand): 5'-GAGGAGAAGGAGGGAGGGCAGGGGACCTGCTACCAAGACATCACTCCTACCTGAGATGGG[G>C]ACTTGGGGAGGGTGGCCCCGGGCGTGGCCCCGCCGGCCGGCTCTGGCTCGTGGTTGACTC-3'
Protein context (NP_647593.1, residues 321-341): GATPGATLPK[Ser331Cys]PSQLRKGPPV